The following is an entry in ClinVar:

NM_020791.4(TAOK1):c.1846C>T (p.Arg616Cys)

Gene: TAOK1 (TAO kinase 1; plus strand). Cytogenetic location: 17q11.2.
Variant type: single nucleotide variant.
Coding change: c.1846C>T on transcript NM_020791.4 (MANE Select); coding-DNA position 1846, C replaced by T.
Protein change: p.Arg616Cys; replaces arginine 616 with cysteine.
Molecular consequence: missense variant. On other transcripts: intron variant (1).
Genome position (GRCh38, 1-based): chr17:29,517,594, C>T. VCF-style: chr17-29517594-C-T. GRCh37 (hg19) VCF-style: chr17-27844612-C-T.
Other names: c.1704+6602C>T (NM_025142.1); short protein forms R616C.
Identifiers: ClinVar variation 3365979 (VCV003365979.2).

ClinVar aggregate classification (germline): Uncertain significance (1 of 4 stars; one submission).

gnomAD v4.1: 1 of 1,613,612 alleles (0.000062%); no homozygotes.

Submission:

GeneDx
Classification: Uncertain significance. Last evaluated: 2026-06-26. Review status: criteria provided, single submitter. Criteria: GeneDx Variant Classification Process June 2021. Collection method: clinical testing. Allele origin: germline.
Comment: Not observed at significant frequency in large population cohorts (gnomAD); In silico analysis supports that this missense variant has a deleterious effect on protein structure/function; Has not been previously published as pathogenic or benign to our knowledge